The following is an entry in ClinVar:

ClinVar aggregate classification (germline): Benign. Review status: criteria provided, multiple submitters, no conflicts (2 of 4 stars). 2 submissions from 2 submitters: Benign (2). Last evaluated 2016-06-22.

Allele frequency attached by ClinVar (database versions not stated): gnomAD exomes 0.00280; gnomAD 0.02694 and 0.02928; 1000 Genomes Project 30x 0.02811; 1000 Genomes Project 0.02875; TOPMed 0.03051.

Submissions (2):

GeneDx
Classification: Benign. Last evaluated: 2016-06-22. Review status: criteria provided, single submitter. Criteria: GeneDx Variant Classification (06012015). Collection method: clinical testing. Allele origin: germline. Affected: yes.
Comment: This variant is considered likely benign or benign based on one or more of the following criteria: it is a conservative change, it occurs at a poorly conserved position in the protein, it is predicted to be benign by multiple in silico algorithms, and/or has population frequency not consistent with disease.

Breakthrough Genomics
Classification: Benign. Review status: criteria provided, single submitter. Criteria: ACMG Guidelines, 2015. Collection method: not provided. Allele origin: germline. Inheritance: Autosomal recessive inheritance. Affected: yes.

NM_006736.6(DNAJB2):c.-37+20T>G

Genes: DNAJB2 (DnaJ heat shock protein family (Hsp40) member B2; plus strand), LOC129935648 (ATAC-STARR-seq lymphoblastoid silent region 12352; plus strand). Cytogenetic location: 2q35.
Variant type: single nucleotide variant.
Coding change: c.-37+20T>G on transcript NM_006736.6 (MANE Select); 20 bases into the intron after 37 bases upstream of the start codon, T replaced by G.
Molecular consequence: intron variant.
Genome position (GRCh38, 1-based): chr2:219,279,538, T>G. VCF-style: chr2-219279538-T-G. GRCh37 (hg19) VCF-style: chr2-220144260-T-G.
Other names: c.-37+20T>G (NM_001039550.2).
Identifiers: ClinVar variation 382216 (VCV000382216.2), dbSNP rs182453437, ClinGen allele CA16604388.